The following is an entry in ClinVar:

NM_000260.4(MYO7A):c.1798-1G>C

Gene: MYO7A (myosin VIIA; plus strand). Cytogenetic location: 11q13.5.
Variant type: single nucleotide variant.
Coding change: c.1798-1G>C on transcript NM_000260.4 (MANE Select); the canonical splice acceptor site of the intron before coding-DNA position 1798, G replaced by C.
Molecular consequence: splice acceptor variant.
Genome position (GRCh38, 1-based): chr11:77,172,747, G>C. VCF-style: chr11-77172747-G-C. GRCh37 (hg19) VCF-style: chr11-76883793-G-C.
Other names: c.1765-1G>C (NM_001369365.1); c.1798-1G>C (NM_001127180.2).
Identifiers: ClinVar variation 3601457 (VCV003601457.1).
Genomic context (GRCh38, chr11:77,172,747, plus strand): 5'-CTCCTGGGACACTGGATGGGGCAGGCACAGCCCCTCCCATCGCTGCCGTCCGTCCCCCCA[G>C]GGCGCCGAGACCAGGAAGCGCTCGCCCACACTTAGCAGCCAGTTCAAGCGGTCACTGGAG-3'

ClinVar aggregate classification (germline): Likely pathogenic (1 of 4 stars; one submission).

Conditions:
Autosomal recessive nonsyndromic hearing loss 2. Also called: NEUROSENSORY NONSYNDROMIC RECESSIVE DEAFNESS 2; DEAFNESS, AUTOSOMAL RECESSIVE 2. Identifiers: Orphanet 90636, MedGen C1838701, MONDO:0010807, OMIM 600060.

Submission:

Institute of Rare Diseases, West China Hospital, Sichuan University
Classification: Likely pathogenic for Autosomal recessive nonsyndromic hearing loss 2. Last evaluated: 2025-01-09. Review status: criteria provided, single submitter. Criteria: ClinGen HL ACMG Specifications v1. Collection method: research. Allele origin: germline. Affected: yes.
Comment: PVS1;PM2_Supporting